The following is an entry in ClinVar:

NM_001111.5(ADAR):c.973A>G (p.Thr325Ala)

Gene: ADAR (adenosine deaminase RNA specific; minus strand). Cytogenetic location: 1q21.3.
Variant type: single nucleotide variant.
Coding change: c.973A>G on transcript NM_001111.5 (MANE Select); coding-DNA position 973, A replaced by G.
Protein change: p.Thr325Ala; replaces threonine 325 with alanine.
Molecular consequence: missense variant.
Genome position (GRCh38, 1-based): chr1:154,601,669, T>C on the plus strand (A>G on the coding strand, the complement: ADAR is on the minus strand). VCF-style: chr1-154601669-T-C. GRCh37 (hg19) VCF-style: chr1-154574145-T-C.
Other names: c.88A>G, p.Thr30Ala (NM_001025107.3, NM_001193495.2, NM_001365046.1 and 3 more transcripts); c.1000A>G, p.Thr334Ala (NM_001365045.1); c.973A>G, p.Thr325Ala (NM_015840.4, NM_015841.4, LRG_1212t1); short protein forms T325A, T334A, T30A.
Identifiers: ClinVar variation 540260 (VCV000540260.8), dbSNP rs771889800, ClinGen allele CA1131611.

ClinVar aggregate classification (germline): Uncertain significance (1 of 4 stars; one submission).

Conditions:
Aicardi-Goutieres syndrome 6 (AGS6). Identifiers: Orphanet 51, MedGen C3539013, MONDO:0014007, OMIM 615010.
Symmetrical dyschromatosis of extremities (DSH). Also called: RETICULATE ACROPIGMENTATION OF DOHI; DYSCHROMATOSIS SYMMETRICA HEREDITARIA 1; SYMMETRIC DYSCHROMATOSIS OF THE EXTREMITIES; Dyschromatosis symmetrica hereditaria. Identifiers: Orphanet 41, MedGen C0406775, MONDO:0007483, OMIM 127400.

Allele frequency attached by ClinVar (database versions not stated): gnomAD exomes below 0.00001 and 0.00002; ExAC 0.00001; gnomAD 0.00001; TOPMed 0.00001.

Submission:

Labcorp Genetics (formerly Invitae), Labcorp
Classification: Uncertain significance for Aicardi-Goutieres syndrome 6; Symmetrical dyschromatosis of extremities. Last evaluated: 2025-10-21. Review status: criteria provided, single submitter. Criteria: Invitae Variant Classification Sherloc (09022015). Collection method: clinical testing. Allele origin: germline.
Comment: This sequence change replaces threonine, which is neutral and polar, with alanine, which is neutral and non-polar, at codon 325 of the ADAR protein (p.Thr325Ala). This variant is present in population databases (rs771889800, gnomAD 0.0009%). This variant has not been reported in the literature in individuals affected with ADAR-related conditions. ClinVar contains an entry for this variant (Variation ID: 540260). Invitae Evidence Modeling of protein sequence and biophysical properties (such as structural, functional, and spatial information, amino acid conservation, physicochemical variation, residue mobility, and thermodynamic stability) indicates that this missense variant is not expected to disrupt ADAR protein function with a negative predictive value of 80%. In summary, the available evidence is currently insufficient to determine the role of this variant in disease. Therefore, it has been classified as a Variant of Uncertain Significance.